The following is an entry in ClinVar:

ClinVar aggregate classification (germline): Uncertain significance (1 of 4 stars; one submission).

gnomAD v4.1: 1 of 1,612,210 alleles (0.000062%); no homozygotes.

Submission:

Ambry Genetics
Classification: Uncertain significance. Last evaluated: 2025-01-03. Review status: criteria provided, single submitter. Criteria: Ambry Variant Classification Scheme 2023. Collection method: clinical testing. Allele origin: germline.
Comment: The p.I213T variant (also known as c.638T>C), located in coding exon 5 of the RNF43 gene, results from a T to C substitution at nucleotide position 638. The isoleucine at codon 213 is replaced by threonine, an amino acid with similar properties. This amino acid position is conserved. In addition, this alteration is predicted to be tolerated by in silico analysis. Based on the available evidence, the clinical significance of this variant remains unclear.

NM_017763.6(RNF43):c.638T>C (p.Ile213Thr)

Gene: RNF43 (ring finger protein 43; minus strand). Cytogenetic location: 17q22.
Variant type: single nucleotide variant.
Coding change: c.638T>C on transcript NM_017763.6 (MANE Select); coding-DNA position 638, T replaced by C.
Protein change: p.Ile213Thr; replaces isoleucine 213 with threonine.
Molecular consequence: missense variant.
Genome position (GRCh38, 1-based): chr17:58,362,593, A>G on the plus strand (T>C on the coding strand, the complement: RNF43 is on the minus strand). VCF-style: chr17-58362593-A-G. GRCh37 (hg19) VCF-style: chr17-56439954-A-G.
Other names: c.638T>C, p.Ile213Thr (NM_001305544.3); c.257T>C, p.Ile86Thr (NM_001305545.2); short protein forms I213T, I86T.
Identifiers: ClinVar variation 3789878 (VCV003789878.1).